The following is an entry in ClinVar:

NM_006231.4(POLE):c.2698A>C (p.Met900Leu)

Gene: POLE (DNA polymerase epsilon, catalytic subunit; minus strand). Cytogenetic location: 12q24.33.
Variant type: single nucleotide variant.
Coding change: c.2698A>C on transcript NM_006231.4 (MANE Select); coding-DNA position 2698, A replaced by C.
Protein change: p.Met900Leu; replaces methionine 900 with leucine.
Molecular consequence: missense variant.
Genome position (GRCh38, 1-based): chr12:132,664,012, T>G on the plus strand (A>C on the coding strand, the complement: POLE is on the minus strand). VCF-style: chr12-132664012-T-G. GRCh37 (hg19) VCF-style: chr12-133240598-T-G.
Other names: short protein forms M900L.
Identifiers: ClinVar variation 2447921 (VCV002447921.2), dbSNP rs150091117, ClinGen allele CA387394977.

ClinVar aggregate classification (germline): Uncertain significance (1 of 4 stars; one submission).

Conditions:
Hereditary cancer-predisposing syndrome. Also called: Neoplastic Syndromes, Hereditary; Hereditary Cancer Syndrome; Tumor predisposition; Hereditary neoplastic syndrome. Identifiers: Orphanet 140162, MedGen C0027672, MeSH D009386, MONDO:0015356.

Submission:

Ambry Genetics
Classification: Uncertain significance for Hereditary cancer-predisposing syndrome. Last evaluated: 2022-11-25. Review status: criteria provided, single submitter. Criteria: Ambry Variant Classification Scheme 2023. Collection method: clinical testing. Allele origin: germline.
Comment: The p.M900L variant (also known as c.2698A>C), located in coding exon 23 of the POLE gene, results from an A to C substitution at nucleotide position 2698. The methionine at codon 900 is replaced by leucine, an amino acid with highly similar properties. This amino acid position is conserved. In addition, this alteration is predicted to be tolerated by in silico analysis. Since supporting evidence is limited at this time, the clinical significance of this alteration remains unclear.